The following is an entry in ClinVar:

NM_000388.4(CASR):c.164C>T (p.Pro55Leu)

Gene: CASR (calcium sensing receptor; plus strand). Cytogenetic location: 3q21.1.
Variant type: single nucleotide variant.
Coding change: c.164C>T on transcript NM_000388.4 (MANE Select); coding-DNA position 164, C replaced by T.
Protein change: p.Pro55Leu; replaces proline 55 with leucine.
Molecular consequence: missense variant.
Genome position (GRCh38, 1-based): chr3:122,254,353, C>T. VCF-style: chr3-122254353-C-T. GRCh37 (hg19) VCF-style: chr3-121973200-C-T.
Other names: p.Pro55Leu; c.164C>T, p.Pro55Leu (NM_001178065.2); c.164C>T (NM_001178065.1); short protein forms P55L.
Identifiers: ClinVar variation 279731 (VCV000279731.28), dbSNP rs886041154, ClinGen allele CA10602861.

ClinVar aggregate classification (germline): Pathogenic. Review status: criteria provided, multiple submitters, no conflicts (2 of 4 stars). 13 submissions from 13 submitters: Pathogenic (12). 1 of the submissions does not count toward it. Last evaluated 2026-11-11.

Conditions:
CASR-related disorder. Also called: CASR-related condition.
Familial hyperparathyroidism or Hypocalciuric hypercalcaemia.
Familial hypocalciuric hypercalcemia (FHH). Also called: Familial benign hypercalcemia. Identifiers: Orphanet 405, MedGen C1809471, MONDO:0018458.
Autosomal dominant hypocalcemia 1 (HYPOC1). Also called: HYPOCALCEMIA, FAMILIAL. Identifiers: MedGen C3715128, MONDO:0011013, OMIM 601198.
Nephrolithiasis/nephrocalcinosis. Identifiers: MedGen CN580796.
Familial hypocalciuric hypercalcemia 1. Also called: Hypercalcemia, familial benign type 1. Identifiers: Orphanet 405, Orphanet 93372, MedGen C0342637, MONDO:0007791, OMIM 145980.

Allele frequency attached by ClinVar (database versions not stated): gnomAD exomes below 0.00001; TOPMed 0.00001.
gnomAD v4.1: 3 of 1,614,108 alleles (0.00019%); highest among the groups gnomAD compares: Non-Finnish European, 0.00025%; no homozygotes.

Submissions (13):

Cambridge Genomics Laboratory, East Genomic Laboratory Hub, NHS Genomic Medicine Service
Classification: Pathogenic for Familial hyperparathyroidism or Hypocalciuric hypercalcaemia. Last evaluated: 2026-11-11. Review status: criteria provided, single submitter. Criteria: ACGS Best Practice Guidelines for Variant Classification in Rare Disease 2020. Collection method: clinical testing. Allele origin: germline. Affected: yes.
Comment: PS3_Supporting,PS4_Moderate,PM2_Supporting,PP1_Strong,PP3,PP4

Ambry Genetics
Classification: Pathogenic for Nephrolithiasis/nephrocalcinosis. Last evaluated: 2026-03-25. Review status: criteria provided, single submitter. Criteria: Ambry Variant Classification Scheme 2023. Collection method: clinical testing. Allele origin: germline.
Comment: The c.164C>T (p.P55L) alteration is located in exon 2 (coding exon 1) of the CASR gene. This alteration results from a C to T substitution at nucleotide position 164, causing the proline (P) at amino acid position 55 to be replaced by a leucine (L). This variant was not reported in population-based cohorts in the Genome Aggregation Database (gnomAD). This mutation has been reported in multiple unrelated individuals and families with familial hypocalciuric hypercalcemia (Pearce, 1995; Heath, 1996; Cetani, 2003; Speer, 2003; Guarnieri, 2010; Hannan, 2012). This amino acid position is highly conserved in available vertebrate species In vitro studies showed that P55L reduces the ability of the calcium-sensing receptor to sense extracellular calcium (Pearce, 1995; Heath, 1996; Lu, 2009). This alteration is predicted to be deleterious by in silico analysis. Based on the available evidence, this alteration is classified as pathogenic.

Labcorp Genetics (formerly Invitae), Labcorp
Classification: Pathogenic for Familial hypocalciuric hypercalcemia; Autosomal dominant hypocalcemia 1. Last evaluated: 2026-01-26. Review status: criteria provided, single submitter. Criteria: Invitae Variant Classification Sherloc (09022015). Collection method: clinical testing. Allele origin: germline.
Comment: This sequence change replaces proline, which is neutral and non-polar, with leucine, which is neutral and non-polar, at codon 55 of the CASR protein (p.Pro55Leu). This variant is not present in population databases (gnomAD no frequency). This missense change has been observed in individual(s) with autosomal dominant familial hypocalciuric hypercalcemia (PMID: 8675635, 11763315, 12580936, 20164288, 22422767, 24947037). It has also been observed to segregate with disease in related individuals. Invitae Evidence Modeling of clinical and family history, age, sex, and reported ancestry of multiple individuals with this CASR variant has been performed. This variant is expected to be pathogenic with a positive predictive value of at least 99%. This is a validated machine learning model that incorporates the clinical features of 646,172 individuals referred to our laboratory for CASR testing. ClinVar contains an entry for this variant (Variation ID: 279731). An algorithm developed to predict the effect of missense changes on protein structure and function (PolyPhen-2) suggests that this variant is likely to be disruptive. Experimental studies have shown that this missense change affects CASR function (PMID: 8878438, 19389809, 19759318). For these reasons, this variant has been classified as Pathogenic.

PreventionGenetics, part of Exact Sciences
Classification: Pathogenic for CASR-related condition. Last evaluated: 2025-06-30. Review status: criteria provided, single submitter. Criteria: ACMG Guidelines, 2015. Collection method: clinical testing. Allele origin: germline.
Comment: The CASR c.164C>T variant is predicted to result in the amino acid substitution p.Pro55Leu. This variant has been reported to be causative for familial hypocalciuric hypercalcemia (FHH) (see for example: Pearce et al. 1995. PubMed ID: 8675635; Guarnieri et al. 2010. PubMed ID: 20164288; Hannan et al. 2012. PubMed ID: 22422767). Functional studies indicate that this variant likely alters the structure or charge distribution of the ligand-binding site, reducing the calcium ion binding affinity of the CASR protein (Pearce et al 1996. PubMed ID: 8878438). This variant has not been reported in a large population database (gnomAD), indicating this variant is rare. This variant is interpreted as pathogenic.

Mayo Clinic Laboratories, Mayo Clinic
Classification: Pathogenic. Last evaluated: 2024-09-19. Review status: criteria provided, single submitter. Criteria: ACMG Guidelines, 2015. Collection method: clinical testing. Allele origin: germline.
Comment: PP1, PP2, PP3, PM2, PS3, PS4_moderate

Cardiovascular Genetics Laboratory, PathWest Laboratory Medicine WA - Fiona Stanley Hospital
Classification: Pathogenic for Familial hypocalciuric hypercalcemia 1. Last evaluated: 2024-02-22. Review status: criteria provided, single submitter. Criteria: ACMG Guidelines, 2015. Collection method: clinical testing. Allele origin: germline.

Blueprint Genetics
Classification: Pathogenic for CASR-related disorders. Last evaluated: 2023-11-09. Review status: criteria provided, single submitter. Criteria: ACMG Guidelines, 2015. Collection method: clinical testing. Allele origin: germline. Affected: yes. Observed: 5 variant alleles.

Athena Diagnostics
Classification: Pathogenic. Last evaluated: 2022-11-16. Review status: criteria provided, single submitter. Criteria: Athena Diagnostics Criteria. Collection method: clinical testing. Allele origin: unknown.
Comment: This variant has been identified in multiple unrelated individuals with autosomal dominant hypocalciuric hypercalcemia and segregates with disease in multiple families. This variant has not been reported in large, multi-ethnic general populations. Assessment of experimental evidence suggests this variant results in abnormal protein function. (PMID: 8878438, 10468915, 11763315, 19759318, 8636323, 8675635).

Women's Health and Genetics/Laboratory Corporation of America, LabCorp
Classification: Pathogenic for Familial hypocalciuric hypercalcemia. Last evaluated: 2022-11-15. Review status: criteria provided, single submitter. Criteria: LabCorp Variant Classification Summary - May 2015. Collection method: clinical testing. Allele origin: germline.
Comment: Variant summary: CASR c.164C>T (p.Pro55Leu) results in a non-conservative amino acid change in the encoded protein sequence. Five of five in-silico tools predict a damaging effect of the variant on protein function. The variant was absent in 250952 control chromosomes. c.164C>T has been widely reported in the literature in multiple individuals affected with Familial Hypocalciuric Hypercalcemia (example, Pearce_1995, Sumida_2022). These data indicate that the variant is very likely to be associated with disease. At least one publication reports experimental evidence evaluating an impact on protein function. The most pronounced variant effect results in reduced responsiveness of the calcium receptor to ionic calcium levels consistent with a loss of function mechanism of disease (example, Pearce_1996). Three clinical diagnostic laboratories have submitted clinical-significance assessments for this variant to ClinVar after 2014 without evidence for independent evaluation. All laboratories classified the variant as pathogenic. Based on the evidence outlined above, the variant was classified as pathogenic.

GeneDx
Classification: Pathogenic. Last evaluated: 2018-05-23. Review status: criteria provided, single submitter. Criteria: GeneDx Variant Classification (06012015). Collection method: clinical testing. Allele origin: germline. Affected: yes.
Comment: The P55L pathogenic variant in the CASR gene has been reported previously in association with familial hypocalciuric hypercalcemia (Pearce et al., 1995; Hannan et al., 2012). This variant was not observed in approximately 6500 individuals of European and African American ancestry in the NHLBI Exome Sequencing Project, indicating it is not a common benign variant in these populations. Functional studies demonstrate that this substitution reduces calcium ion binding affinity of the extracellular domain of the CASR protein and leads to abnormal moderation of calcium homeostasis (Pearce et al., 1996; White et al., 2009; Lu et al., 2009). We interpret P55L as a pathogenic variant.

Clinical Genetics Service, Universitary Hospital 12 de Octubre
Classification: Pathogenic for Familial hypocalciuric hypercalcemia 1. Review status: criteria provided, single submitter. Criteria: ACMG Guidelines, 2015. Collection method: clinical testing. Allele origin: germline. Affected: yes.

Juno Genomics, Hangzhou Juno Genomics, Inc
Classification: Pathogenic for Familial hypocalciuric hypercalcemia 1. Review status: criteria provided, single submitter. Criteria: ACMG Guidelines, 2015. Collection method: clinical testing. Allele origin: germline.
Comment: Absent from controls (or at extremely low frequency if recessive) in Genome Aggregation Database.;Missense variant in a gene that has a low rate of benign missense variation.;Well-established in vitro or in vivo functional studies supportive of a damaging effect on the gene or gene product.;The prevalence of the variant in affected individuals is significantly increased compared to the prevalence in controls.;Assumed de novo, but without confirmation of paternity and maternity.;Co-segregation with disease in multiple affected family members.

Molecular Genetics Laboratory, Biobizkaia Health Research Institute
Classification: Pathogenic for Familial hypocalciuric hypercalcemia 1. Last evaluated: 2024-03-08. Review status: no assertion criteria provided. Collection method: clinical testing. Allele origin: de novo. Affected: yes. Not counted in ClinVar's aggregate classification.

Literature cited by the submitters: PubMed 8636323 (cited by 4 submitters); PubMed 8675635 (cited by 5 submitters); PubMed 12580936 (cited by 4 submitters); PubMed 14714270 (cited by 3 submitters); PubMed 19759318 (cited by 4 submitters); PubMed 20164288 (cited by 4 submitters); PubMed 22422767 (cited by 4 submitters); PubMed 11763315 (cited by 4 submitters); PubMed 24947037 (cited by Labcorp Genetics (formerly Invitae), Labcorp and Mayo Clinic Laboratories, Mayo Clinic); PubMed 8878438 (cited by 5 submitters); PubMed 19389809 (cited by 4 submitters); PubMed 19179454 (cited by Mayo Clinic Laboratories, Mayo Clinic and Athena Diagnostics); PubMed 30407919 (cited by Mayo Clinic Laboratories, Mayo Clinic); PubMed 35733207 (cited by 3 submitters); PubMed 10468915 (cited by Athena Diagnostics and Women's Health and Genetics/Laboratory Corporation of America, LabCorp); PubMed 32347971 (cited by Athena Diagnostics).